The following is an entry in ClinVar:

ClinVar aggregate classification (germline): Uncertain significance (1 of 4 stars; one submission).

Conditions:
Alstrom syndrome (ALMS). Identifiers: Orphanet 64, MedGen C0268425, MONDO:0008763, OMIM 203800.

gnomAD v4.1: 2 of 1,614,082 alleles (0.00012%); highest among the groups gnomAD compares: Admixed American, 0.0033%; no homozygotes.

Submission:

Labcorp Genetics (formerly Invitae), Labcorp
Classification: Uncertain significance for Alstrom syndrome. Last evaluated: 2022-08-13. Review status: criteria provided, single submitter. Criteria: Invitae Variant Classification Sherloc (09022015). Collection method: clinical testing. Allele origin: germline.
Comment: This sequence change replaces threonine, which is neutral and polar, with serine, which is neutral and polar, at codon 855 of the ALMS1 protein (p.Thr855Ser). This variant is present in population databases (no rsID available, gnomAD 0.009%). This variant has not been reported in the literature in individuals affected with ALMS1-related conditions. Algorithms developed to predict the effect of missense changes on protein structure and function output the following: SIFT: "Not Available"; PolyPhen-2: "Not Available"; Align-GVGD: "Not Available". The serine amino acid residue is found in multiple mammalian species, which suggests that this missense change does not adversely affect protein function. In summary, the available evidence is currently insufficient to determine the role of this variant in disease. Therefore, it has been classified as a Variant of Uncertain Significance.

NM_001378454.1(ALMS1):c.2561C>G (p.Thr854Ser)

Gene: ALMS1 (ALMS1 centrosome and basal body associated protein; plus strand). Cytogenetic location: 2p13.1.
Variant type: single nucleotide variant.
Coding change: c.2561C>G on transcript NM_001378454.1 (MANE Select); coding-DNA position 2561, C replaced by G.
Protein change: p.Thr854Ser; replaces threonine 854 with serine.
Molecular consequence: missense variant.
Genome position (GRCh38, 1-based): chr2:73,449,088, C>G. VCF-style: chr2-73449088-C-G. GRCh37 (hg19) VCF-style: chr2-73676215-C-G.
Other names: c.2564C>G, p.Thr855Ser (NM_015120.4); short protein forms T854S, T855S.
Identifiers: ClinVar variation 1900697 (VCV001900697.2), dbSNP rs897039114, ClinGen allele CA50391764.
Genomic context (GRCh38, chr2:73,449,088, plus strand): 5'-CTCTGAAAGTTTCAGCTGTTTCTGGACCAGCTGACGGAAAGACTGGGACACCAGCTGTAA[C>G]CTCTACTTCCTCTGCGTCCTCTTCACTTGGAGAAAAGCCCAGTGCTTTCTATCAGCAGAC-3'
Protein context (NP_001365383.1, residues 844-864): ADGKTGTPAV[Thr854Ser]STSSASSSLG